The following is an entry in ClinVar:

NM_145207.3(AFG2A):c.447-2A>G

Gene: AFG2A (AAA ATPase AFG2A; plus strand). Cytogenetic location: 4q28.1.
Variant type: single nucleotide variant.
Coding change: c.447-2A>G on transcript NM_145207.3 (MANE Select); the canonical splice acceptor site of the intron before coding-DNA position 447, A replaced by G.
Molecular consequence: splice acceptor variant.
Genome position (GRCh38, 1-based): chr4:122,933,437, A>G. VCF-style: chr4-122933437-A-G. GRCh37 (hg19) VCF-style: chr4-123854592-A-G.
Other names: c.444-2A>G (NM_001345856.2, NM_001317799.2).
Identifiers: ClinVar variation 841648 (VCV000841648.10), dbSNP rs1728870745, ClinGen allele CA358100574.
Genomic context (GRCh38, chr4:122,933,437, plus strand): 5'-ATCACAGTTTAGTTTCTGGTGTACCTAATGCTGATTTCTGTTCCCTTCTTATCCTTTTAC[A>G]GTGACAAAGATATGGAAATTAATGAAGAAGAACTGACTGGTTGTATCCTGAGAAAACTAG-3'

ClinVar aggregate classification (germline): Likely pathogenic (1 of 4 stars; one submission).

Conditions:
Microcephaly-intellectual disability-sensorineural hearing loss-epilepsy-abnormal muscle tone syndrome (NEDHSB). Also called: NEURODEVELOPMENTAL DISORDER WITH HEARING LOSS, SEIZURES, AND BRAIN ABNORMALITIES. Identifiers: Orphanet 457351, MedGen C4225276, MONDO:0014698, OMIM 616577.

gnomAD v4.1: 1 of 1,611,664 alleles (0.000062%); no homozygotes.

Submission:

Labcorp Genetics (formerly Invitae), Labcorp
Classification: Likely pathogenic for Microcephaly-intellectual disability-sensorineural hearing loss-epilepsy-abnormal muscle tone syndrome. Last evaluated: 2019-12-11. Review status: criteria provided, single submitter. Criteria: Invitae Variant Classification Sherloc (09022015). Collection method: clinical testing. Allele origin: germline.
Comment: In summary, the currently available evidence indicates that the variant is pathogenic, but additional data are needed to prove that conclusively. Therefore, this variant has been classified as Likely Pathogenic. Donor and acceptor splice site variants typically lead to a loss of protein function (PMID: 16199547), and loss-of-function variants in SPATA5 are known to be pathogenic (PMID: 26299366). Algorithms developed to predict the effect of sequence changes on RNA splicing suggest that this variant may disrupt the consensus splice site, but this prediction has not been confirmed by published transcriptional studies. This variant has not been reported in the literature in individuals with SPATA5-related conditions. This variant is not present in population databases (ExAC no frequency). This sequence change affects an acceptor splice site in intron 3 of the SPATA5 gene. It is expected to disrupt RNA splicing and likely results in an absent or disrupted protein product.

Literature cited by the submitters: PubMed 16199547; PubMed 26299366.